The following is an entry in ClinVar:

NM_022455.5(NSD1):c.2456C>A (p.Thr819Asn)

Gene: NSD1 (nuclear receptor binding SET domain protein 1; plus strand). Cytogenetic location: 5q35.3.
Variant type: single nucleotide variant.
Coding change: c.2456C>A on transcript NM_022455.5 (MANE Select); coding-DNA position 2456, C replaced by A.
Protein change: p.Thr819Asn; replaces threonine 819 with asparagine.
Molecular consequence: missense variant.
Genome position (GRCh38, 1-based): chr5:177,210,855, C>A. VCF-style: chr5-177210855-C-A. GRCh37 (hg19) VCF-style: chr5-176637856-C-A.
Other names: c.1583C>A, p.Thr528Asn (NM_001365684.2, NM_001409306.1, NM_001409307.1 and 3 more transcripts); c.2456C>A, p.Thr819Asn (NM_001409301.1, NM_001409302.1, NM_001409303.1); c.2036C>A, p.Thr679Asn (NM_001409304.1); c.1703C>A, p.Thr568Asn (NM_001409305.1); short protein forms T528N, T568N, T679N, T819N.
Identifiers: ClinVar variation 3624491 (VCV003624491.2).

ClinVar aggregate classification (germline): Uncertain significance (1 of 4 stars; one submission).

gnomAD v4.1: 3 of 1,614,182 alleles (0.00019%); highest among the groups gnomAD compares: Non-Finnish European, 0.00017%; no homozygotes.

Submission:

Labcorp Genetics (formerly Invitae), Labcorp
Classification: Uncertain significance. Last evaluated: 2023-05-09. Review status: criteria provided, single submitter. Criteria: Invitae Variant Classification Sherloc (09022015). Collection method: clinical testing. Allele origin: germline.
Comment: This sequence change replaces threonine, which is neutral and polar, with asparagine, which is neutral and polar, at codon 819 of the NSD1 protein (p.Thr819Asn). This variant is not present in population databases (gnomAD no frequency). This variant has not been reported in the literature in individuals affected with NSD1-related conditions. Advanced modeling of protein sequence and biophysical properties (such as structural, functional, and spatial information, amino acid conservation, physicochemical variation, residue mobility, and thermodynamic stability) performed at Invitae indicates that this missense variant is not expected to disrupt NSD1 protein function. In summary, the available evidence is currently insufficient to determine the role of this variant in disease. Therefore, it has been classified as a Variant of Uncertain Significance.